The following is an entry in ClinVar:

ClinVar aggregate classification (germline): Uncertain significance (1 of 4 stars; one submission).

Conditions:
Charcot-Marie-Tooth disease axonal type 2O. Also called: Charcot-Marie-Tooth disease, axonal, type 20; CHARCOT-MARIE-TOOTH NEUROPATHY, AXONAL, TYPE 2O; CHARCOT-MARIE-TOOTH DISEASE, AXONAL, AUTOSOMAL DOMINANT, TYPE 2O; Charcot-Marie-Tooth Neuropathy Type 2O. Identifiers: Orphanet 284232, MedGen C3280220, MONDO:0013644, OMIM 614228.

Submission:

Labcorp Genetics (formerly Invitae), Labcorp
Classification: Uncertain significance for Charcot-Marie-Tooth disease axonal type 2O. Last evaluated: 2023-06-23. Review status: criteria provided, single submitter. Criteria: Invitae Variant Classification Sherloc (09022015). Collection method: clinical testing. Allele origin: germline.
Comment: In summary, the available evidence is currently insufficient to determine the role of this variant in disease. Therefore, it has been classified as a Variant of Uncertain Significance. Advanced modeling of protein sequence and biophysical properties (such as structural, functional, and spatial information, amino acid conservation, physicochemical variation, residue mobility, and thermodynamic stability) performed at Invitae indicates that this missense variant is not expected to disrupt DYNC1H1 protein function. This variant has not been reported in the literature in individuals affected with DYNC1H1-related conditions. This variant is not present in population databases (gnomAD no frequency). This sequence change replaces serine, which is neutral and polar, with threonine, which is neutral and polar, at codon 1858 of the DYNC1H1 protein (p.Ser1858Thr).

NM_001376.5(DYNC1H1):c.5572T>A (p.Ser1858Thr)

Gene: DYNC1H1 (dynein cytoplasmic 1 heavy chain 1; plus strand). Cytogenetic location: 14q32.31.
Variant type: single nucleotide variant.
Coding change: c.5572T>A on transcript NM_001376.5 (MANE Select); coding-DNA position 5572, T replaced by A.
Protein change: p.Ser1858Thr; replaces serine 1858 with threonine.
Molecular consequence: missense variant.
Genome position (GRCh38, 1-based): chr14:102,006,026, T>A. VCF-style: chr14-102006026-T-A. GRCh37 (hg19) VCF-style: chr14-102472363-T-A.
Other names: short protein forms S1858T.
Identifiers: ClinVar variation 2725028 (VCV002725028.3), dbSNP rs2503741947, ClinGen allele CA391048542.